The following is an entry in ClinVar:

NM_030762.3(BHLHE41):c.714C>G (p.Thr238=)

Genes: BHLHE41 (basic helix-loop-helix family member e41; minus strand), SSPN (sarcospan; plus strand). Cytogenetic location: 12p12.1.
Variant type: single nucleotide variant.
Coding change: c.714C>G on transcript NM_030762.3 (MANE Select); coding-DNA position 714, C replaced by G.
Protein change: p.Thr238=; no amino-acid change (threonine 238 retained).
Molecular consequence: synonymous variant.
Genome position (GRCh38, 1-based): chr12:26,122,801, G>C on the plus strand (C>G on the coding strand, the complement: BHLHE41 is on the minus strand). VCF-style: chr12-26122801-G-C. GRCh37 (hg19) VCF-style: chr12-26275734-G-C.
Identifiers: ClinVar variation 3905983 (VCV003905983.10).

ClinVar aggregate classification (germline): Likely benign (1 of 4 stars; one submission).

Submission:

CeGaT Center for Human Genetics Tuebingen
Classification: Likely benign. Last evaluated: 2025-05-01. Review status: criteria provided, single submitter. Criteria: CeGaT Center For Human Genetics Tuebingen Variant Classification Criteria Version 2. Collection method: clinical testing. Allele origin: germline. Affected: yes. Observed: 1 variant allele.
Comment: BHLHE41: PM2:Supporting, BP4, BP7